The following is an entry in ClinVar:

NM_001348323.3(TRIP12):c.3629A>T (p.Asp1210Val)

Gene: TRIP12 (thyroid hormone receptor interactor 12; minus strand). Cytogenetic location: 2q36.3.
Variant type: single nucleotide variant.
Coding change: c.3629A>T on transcript NM_001348323.3 (MANE Select); coding-DNA position 3629, A replaced by T.
Protein change: p.Asp1210Val; replaces aspartic acid 1210 with valine.
Molecular consequence: missense variant.
Genome position (GRCh38, 1-based): chr2:229,796,778, T>A on the plus strand (A>T on the coding strand, the complement: TRIP12 is on the minus strand). VCF-style: chr2-229796778-T-A. GRCh37 (hg19) VCF-style: chr2-230661494-T-A.
Other names: p.Asp1211Val; c.3548A>T, p.Asp1183Val (NM_001284214.2, NM_001348315.2); c.3503A>T, p.Asp1168Val (NM_001284215.2, NM_001348316.2, NM_001348317.1 and 1 more transcripts); c.2594A>T, p.Asp865Val (NM_001284216.2); c.3629A>T, p.Asp1210Val (NM_001348319.1, NM_001348320.2, NM_001348322.1 and 4 more transcripts); c.3632A>T, p.Asp1211Val (NM_001348321.1, NM_001348328.1, NM_001348329.2 and 1 more transcripts); c.3422A>T, p.Asp1141Val (NM_001348331.1); c.3542A>T, p.Asp1181Val (NM_001348332.1); and 2 more; short protein forms D1135V, D1141V, D1168V, D1181V, D1183V, D1184V, D1210V, D1211V.
Identifiers: ClinVar variation 4082078 (VCV004082078.5).

ClinVar aggregate classification (germline): Uncertain significance. Review status: criteria provided, single submitter (1 of 4 stars). 2 submissions from 2 submitters: Uncertain significance (1). 1 of the submissions does not count toward it. Last evaluated 2026-04-01.

Conditions:
Self-limited familial infantile epilepsy. Also called: Self-limited familial and non-familial infantile seizures. Identifiers: MedGen CN322666, MONDO:0100024.

gnomAD v4.1: 53 of 1,572,874 alleles (0.0034%); highest among the groups gnomAD compares: Admixed American, 0.03%; no homozygotes.

Submissions (2):

CeGaT Center for Human Genetics Tuebingen
Classification: Uncertain significance. Last evaluated: 2026-04-01. Review status: criteria provided, single submitter. Criteria: CeGaT Center For Human Genetics Tuebingen Variant Classification Criteria Version 2. Collection method: clinical testing. Allele origin: germline. Affected: yes. Observed: 2 variant alleles.

Altamedica, Artemisia
Classification: Likely pathogenic for Self-limited familial infantile epilepsy. Last evaluated: 2025-08-12. Review status: no assertion criteria provided. Collection method: clinical testing. Allele origin: germline. Inheritance: Autosomal dominant inheritance. Affected: yes. Observed: 2 variant alleles, 2 heterozygotes. Clinical features observed: Autistic behavior (HP:0000729), Delayed speech and language development (HP:0000750). Not counted in ClinVar's aggregate classification.
Comment: Heterozygous missense variant in TRIP12 (NM_004238.3:c.3404A>T; p.Asp1135Val; rs778262518) identified in two affected family members (father and daughter) with autism spectrum disorder and speech disorder, absent in the unaffected mother (PP1_Supporting). Variant is extremely rare in population databases (gnomAD v2.1.1: 7/244,660 alleles, no homozygotes; PM2_Supporting). Multiple in-silico tools predict a damaging effect (SIFT deleterious, PolyPhen possibly damaging, AlphaMissense score 0.967; PP3). TRIP12 shows strong intolerance to missense variation (missense z-score 6.366, pLI = 1, LOEUF = 0.145), and is a validated ASD/neurodevelopmental disorder gene. No previous ClinVar submissions or literature reports describe this variant with a clinical phenotype. Based on ACMG/AMP guidelines, the classification is Likely Pathogenic